The following is an entry in ClinVar:

NC_000001.11:g.230710008G>A

Gene: AGT (angiotensinogen; minus strand). Cytogenetic location: 1q42.2.
Variant type: single nucleotide variant.
Genome position: GRCh38 VCF-style: chr1-230710008-G-A. GRCh37 (hg19) VCF-style: chr1-230845754-G-A.
Other names: NM_000029.3:c.843C>T.
Identifiers: ClinVar variation 296081 (VCV000296081.7), dbSNP rs543740975, ClinGen allele CA1448220.

ClinVar aggregate classification (germline): Uncertain significance. Review status: criteria provided, single submitter (1 of 4 stars). 2 submissions from 2 submitters: Uncertain significance (1). 1 of the submissions does not count toward it. Last evaluated 2018-01-12.

Conditions:
AGT-related disorder. Also called: AGT-related condition.
Renal tubular dysgenesis. Also called: Renotubular dysgenesis. Identifiers: Orphanet 3033, MedGen C0266313, MONDO:0017609, HP:0008660.

Allele frequency attached by ClinVar (database versions not stated): gnomAD 0.00003; gnomAD exomes 0.00003; ExAC 0.00005; TOPMed 0.00005; 1000 Genomes Project 30x 0.00016; 1000 Genomes Project 0.00020.
gnomAD v4.1: 40 of 1,614,190 alleles (0.0025%); highest among the groups gnomAD compares: African/African-American, 0.0053%; no homozygotes.

Submissions (2):

Illumina Laboratory Services, Illumina
Classification: Uncertain significance for Renal tubular dysgenesis of genetic origin. Last evaluated: 2018-01-12. Review status: criteria provided, single submitter. Criteria: ICSL Variant Classification Criteria 13 December 2019. Collection method: clinical testing. Allele origin: germline.

PreventionGenetics, part of Exact Sciences
Classification: Likely benign for AGT-related condition. Last evaluated: 2019-10-28. Review status: no assertion criteria provided. Collection method: clinical testing. Allele origin: germline. Not counted in ClinVar's aggregate classification.
Comment: This variant is classified as likely benign based on ACMG/AMP sequence variant interpretation guidelines (Richards et al. 2015 PMID: 25741868, with internal and published modifications).